The following is an entry in ClinVar:

ClinVar aggregate classification (germline): Conflicting classifications of pathogenicity. Review status: criteria provided, conflicting classifications (1 of 4 stars). 2 submissions from 2 submitters: Pathogenic (1); Uncertain significance (1). Last evaluated 2022-11-04.

Submissions (2):

Blueprint Genetics
Classification: Uncertain significance. Last evaluated: 2022-11-04. Review status: criteria provided, single submitter. Criteria: ACMG Guidelines, 2015. Collection method: clinical testing. Allele origin: germline.

Labcorp Genetics (formerly Invitae), Labcorp
Classification: Pathogenic. Last evaluated: 2022-11-01. Review status: criteria provided, single submitter. Criteria: Invitae Variant Classification Sherloc (09022015). Collection method: clinical testing. Allele origin: germline.
Comment: For these reasons, this variant has been classified as Pathogenic. This variant disrupts a region of the WFS1 protein in which other variant(s) (p.Lys862Asn) have been determined to be pathogenic (Invitae). This suggests that this is a clinically significant region of the protein, and that variants that disrupt it are likely to be disease-causing. This variant has not been reported in the literature in individuals affected with WFS1-related conditions. This variant is not present in population databases (gnomAD no frequency). This variant, c.2585_2587del, results in the deletion of 1 amino acid(s) of the WFS1 protein (p.Lys862del), but otherwise preserves the integrity of the reading frame.

NM_006005.3(WFS1):c.2585_2587del (p.Lys862del)

Gene: WFS1 (wolframin ER transmembrane glycoprotein; plus strand). Cytogenetic location: 4p16.1.
Variant type: Deletion.
Coding change: c.2585_2587del on transcript NM_006005.3 (MANE Select); coding-DNA positions 2585 to 2587, 3 bases deleted (AGA; older notation c.2585_2587delAGA).
Protein change: p.Lys862del; deletes lysine 862.
Molecular consequence: inframe deletion.
Genome position (GRCh38, 1-based): chr4:6,302,380-6,302,382, AGA deleted; deleting any 3 consecutive bases within chr4:6,302,378-6,302,382 gives the same sequence; the c. name uses the placement nearest the transcript's 3' end. VCF-style (leftmost placement, unchanged base first): chr4-6302377-TGAA-T. GRCh37 (hg19) VCF-style: chr4-6304104-TGAA-T.
Other names: c.2585_2587del, p.Lys862del (NM_001145853.1); short protein forms K862del.
Identifiers: ClinVar variation 2811300 (VCV002811300.4), dbSNP rs2474197682, ClinGen allele CA2739270018.
Genomic context (GRCh38, chr4:6,302,377, plus strand): 5'-AGCTCAAGGCCATCAGCTGCCTCAACTGCATGGCCCAGCTCTCACCCACCAGGCGGCACG[TGAA>T]GATCGAGCACGACTGGCGCAGCACCGTGCATGGCGCCGTGAAGTTCGCCTTCGACTTCTT-3'